The following is an entry in ClinVar:

ClinVar aggregate classification (germline): Uncertain significance (1 of 4 stars; one submission).

Conditions:
Glycine encephalopathy. Also called: Nonketotic hyperglycinemia; Non-ketotic hyperglycinemia. Identifiers: Orphanet 407, MedGen C0751748, MONDO:0011612, HP:0008288.

Submission:

Labcorp Genetics (formerly Invitae), Labcorp
Classification: Uncertain significance for Glycine encephalopathy. Last evaluated: 2024-12-22. Review status: criteria provided, single submitter. Criteria: Invitae Variant Classification Sherloc (09022015). Collection method: clinical testing. Allele origin: germline.
Comment: This sequence change replaces alanine, which is neutral and non-polar, with glycine, which is neutral and non-polar, at codon 729 of the GLDC protein (p.Ala729Gly). This variant is not present in population databases (gnomAD no frequency). This variant has not been reported in the literature in individuals affected with GLDC-related conditions. Invitae Evidence Modeling of protein sequence and biophysical properties (such as structural, functional, and spatial information, amino acid conservation, physicochemical variation, residue mobility, and thermodynamic stability) indicates that this missense variant is expected to disrupt GLDC protein function with a positive predictive value of 95%. In summary, the available evidence is currently insufficient to determine the role of this variant in disease. Therefore, it has been classified as a Variant of Uncertain Significance.

NM_000170.3(GLDC):c.2186C>G (p.Ala729Gly)

Gene: GLDC (glycine decarboxylase; minus strand). Cytogenetic location: 9p24.1.
Variant type: single nucleotide variant.
Coding change: c.2186C>G on transcript NM_000170.3 (MANE Select); coding-DNA position 2186, C replaced by G.
Protein change: p.Ala729Gly; replaces alanine 729 with glycine.
Molecular consequence: missense variant.
Genome position (GRCh38, 1-based): chr9:6,556,169, G>C on the plus strand (C>G on the coding strand, the complement: GLDC is on the minus strand). VCF-style: chr9-6556169-G-C. GRCh37 (hg19) VCF-style: chr9-6556169-G-C.
Other names: short protein forms A729G.
Identifiers: ClinVar variation 3619155 (VCV003619155.1).